The following is an entry in ClinVar:

ClinVar aggregate classification (germline): Uncertain significance (1 of 4 stars; one submission).

Conditions:
Pitt-Hopkins-like syndrome 2 (PTHSL2). Identifiers: Orphanet 221150, Orphanet 600663, MedGen C3280479, MONDO:0013690, OMIM 614325.

Submission:

Labcorp Genetics (formerly Invitae), Labcorp
Classification: Uncertain significance for Pitt-Hopkins-like syndrome 2. Last evaluated: 2024-03-09. Review status: criteria provided, single submitter. Criteria: Invitae Variant Classification Sherloc (09022015). Collection method: clinical testing. Allele origin: germline.
Comment: This sequence change replaces aspartic acid, which is acidic and polar, with histidine, which is basic and polar, at codon 1419 of the NRXN1 protein (p.Asp1419His). This variant is not present in population databases (gnomAD no frequency). This variant has not been reported in the literature in individuals affected with NRXN1-related conditions. Advanced modeling of protein sequence and biophysical properties (such as structural, functional, and spatial information, amino acid conservation, physicochemical variation, residue mobility, and thermodynamic stability) performed at Invitae indicates that this missense variant is not expected to disrupt NRXN1 protein function with a negative predictive value of 80%. In summary, the available evidence is currently insufficient to determine the role of this variant in disease. Therefore, it has been classified as a Variant of Uncertain Significance.

NM_001330078.2(NRXN1):c.4135G>C (p.Asp1379His)

Gene: NRXN1 (neurexin 1; minus strand). Cytogenetic location: 2p16.3.
Variant type: single nucleotide variant.
Coding change: c.4135G>C on transcript NM_001330078.2 (MANE Select); coding-DNA position 4135, G replaced by C.
Protein change: p.Asp1379His; replaces aspartic acid 1379 with histidine.
Molecular consequence: missense variant.
Genome position (GRCh38, 1-based): chr2:49,943,785, C>G on the plus strand (G>C on the coding strand, the complement: NRXN1 is on the minus strand). VCF-style: chr2-49943785-C-G. GRCh37 (hg19) VCF-style: chr2-50170923-C-G.
Other names: c.3934G>C, p.Asp1312His (NM_001330096.2, NM_001330087.2); c.940G>C, p.Asp314His (NM_001330097.2, NM_138735.5); c.4045G>C, p.Asp1349His (NM_004801.6); c.3964G>C, p.Asp1322His (NM_001330088.2); c.1030G>C, p.Asp344His (NM_001330091.2, NM_001330092.2); c.4132G>C, p.Asp1378His (NM_001330093.2); c.4123G>C, p.Asp1375His (NM_001330094.2); c.3994G>C, p.Asp1332His (NM_001330095.2); and 7 more; short protein forms D1322H, D1327H, D1378H, D1379H, D344H, D1349H, D1370H, D1312H.
Identifiers: ClinVar variation 3645158 (VCV003645158.2).